The following is an entry in ClinVar:

NM_017780.4(CHD7):c.4654G>T (p.Val1552Phe)

Gene: CHD7 (chromodomain helicase DNA binding protein 7; plus strand). Cytogenetic location: 8q12.2.
Variant type: single nucleotide variant.
Coding change: c.4654G>T on transcript NM_017780.4 (MANE Select); coding-DNA position 4654, G replaced by T.
Protein change: p.Val1552Phe; replaces valine 1552 with phenylalanine.
Molecular consequence: missense variant. On other transcripts: intron variant (1).
Genome position (GRCh38, 1-based): chr8:60,841,856, G>T. VCF-style: chr8-60841856-G-T. GRCh37 (hg19) VCF-style: chr8-61754415-G-T.
Other names: c.1717-20373G>T (NM_001316690.1); short protein forms V1552F.
Identifiers: ClinVar variation 811091 (VCV000811091.8), dbSNP rs1586426507, ClinGen allele CA371318921.

ClinVar aggregate classification (germline): Likely pathogenic (1 of 4 stars; one submission).

Submission:

ARUP Laboratories, Molecular Genetics and Genomics, ARUP Laboratories
Classification: Likely pathogenic. Last evaluated: 2018-07-22. Review status: criteria provided, single submitter. Criteria: ARUP Molecular Germline Variant Investigation Process. Collection method: clinical testing. Allele origin: germline.
Comment: The p.Val1552Phe variant has not been reported in the medical literature, gene specific variant databases including ClinVar, nor has it been previously identified by our laboratory. However, valine 1552 is a highly conserved amino acid and computational prediction programs suggest a deleterious effect of this variant on protein structure/function (SIFT: damaging, PolyPhen-2: probably damaging, REVEL score 0.782). Based on the available evidence, this de novo rare missense CHD7 variant was classified as likely pathogenic.